The following is an entry in ClinVar:

NM_001267550.2(TTN):c.76374A>G (p.Pro25458=)

Genes: TTN (titin; minus strand), TTN-AS1 (TTN antisense RNA 1; plus strand). Cytogenetic location: 2q31.2.
Variant type: single nucleotide variant.
Coding change: c.76374A>G on transcript NM_001267550.2 (MANE Select); coding-DNA position 76374, A replaced by G.
Protein change: p.Pro25458=; no amino-acid change (proline 25458 retained).
Molecular consequence: synonymous variant.
Genome position (GRCh38, 1-based): chr2:178,569,758, T>C on the plus strand (A>G on the coding strand, the complement: TTN is on the minus strand). VCF-style: chr2-178569758-T-C. GRCh37 (hg19) VCF-style: chr2-179434485-T-C.
Other names: p.Pro22890=; c.71451A>G, p.Pro23817= (NM_001256850.1); c.49179A>G, p.Pro16393= (NM_003319.4); c.68670A>G, p.Pro22890= (NM_133378.4); c.49554A>G, p.Pro16518= (NM_133432.3); c.49755A>G, p.Pro16585= (NM_133437.4).
Identifiers: ClinVar variation 1612792 (VCV001612792.12), dbSNP rs891629905, ClinGen allele CA430254384.

ClinVar aggregate classification (germline): Likely benign. Review status: criteria provided, multiple submitters, no conflicts (2 of 4 stars). 4 submissions from 4 submitters: Likely benign (4). Last evaluated 2025-10-10.

Conditions:
Autosomal recessive limb-girdle muscular dystrophy type 2J (LGMDR10). Also called: Limb-girdle muscular dystrophy, type 2J; MUSCULAR DYSTROPHY, LIMB-GIRDLE, AUTOSOMAL RECESSIVE 10. Identifiers: Orphanet 140922, MedGen C1837342, MONDO:0012127, OMIM 608807.
Dilated cardiomyopathy 1G (CMD1G). Identifiers: Orphanet 154, MedGen C1858763, MONDO:0011400, OMIM 604145.
Cardiovascular phenotype. Identifiers: MedGen CN230736.

Allele frequency attached by ClinVar (database versions not stated): gnomAD 0.00001.
gnomAD v4.1: 3 of 1,613,184 alleles (0.00019%); highest among the groups gnomAD compares: Non-Finnish European, 0.00017%; no homozygotes.

Submissions (4):

Mayo Clinic Laboratories, Mayo Clinic
Classification: Likely benign. Last evaluated: 2025-10-10. Review status: criteria provided, single submitter. Criteria: ACMG Guidelines, 2015. Collection method: clinical testing. Allele origin: germline. Observed: 1 variant allele.
Comment: BP4, BP7

Labcorp Genetics (formerly Invitae), Labcorp
Classification: Likely benign for Dilated cardiomyopathy 1G; Autosomal recessive limb-girdle muscular dystrophy type 2J. Last evaluated: 2025-06-15. Review status: criteria provided, single submitter. Criteria: Invitae Variant Classification Sherloc (09022015). Collection method: clinical testing. Allele origin: germline.

Blueprint Genetics
Classification: Likely benign. Last evaluated: 2023-11-28. Review status: criteria provided, single submitter. Criteria: ACMG Guidelines, 2015. Collection method: clinical testing. Allele origin: germline.

Ambry Genetics
Classification: Likely benign for Cardiovascular phenotype. Last evaluated: 2020-12-13. Review status: criteria provided, single submitter. Criteria: Ambry Variant Classification Scheme 2023. Collection method: clinical testing. Allele origin: germline.